The following is an entry in ClinVar:

NM_003803.4(MYOM1):c.2064G>A (p.Thr688=)

Gene: MYOM1 (myomesin 1; minus strand). Cytogenetic location: 18p11.31.
Variant type: single nucleotide variant.
Coding change: c.2064G>A on transcript NM_003803.4 (MANE Select); coding-DNA position 2064, G replaced by A.
Protein change: p.Thr688=; no amino-acid change (threonine 688 retained).
Molecular consequence: synonymous variant.
Genome position (GRCh38, 1-based): chr18:3,135,692, C>T on the plus strand (G>A on the coding strand, the complement: MYOM1 is on the minus strand). VCF-style: chr18-3135692-C-T. GRCh37 (hg19) VCF-style: chr18-3135690-C-T.
Other names: c.2064G>A, p.Thr688= (NM_019856.2).
Identifiers: ClinVar variation 227695 (VCV000227695.20), dbSNP rs374462999, ClinGen allele CA8874753.
Genomic context (GRCh38, chr18:3,135,692, plus strand): 5'-GTAGGATTTCCCCTCGGCCAAGTCAAACAGAGCAAAGCGGGGAGACTTCACAGGGAGCTC[C>T]GTGTTCACTCGCTGCCAGTTTTCTGTTCCTGCCTCACACTGCAGCAAGAACAGGGAAACC-3'
Protein context (NP_003794.3, residues 678-698): AGTENWQRVN[Thr688=]ELPVKSPRFA

ClinVar aggregate classification (germline): Likely benign. Review status: criteria provided, multiple submitters, no conflicts (2 of 4 stars). 5 submissions from 5 submitters: Likely benign (4). 1 of the submissions does not count toward it. Last evaluated 2026-01-25.

Conditions:
MYOM1-related disorder.
Hypertrophic cardiomyopathy. Also called: HYPERTROPHIC MYOCARDIOPATHY. Identifiers: Orphanet 217569, MedGen C0007194, MeSH D002312, MONDO:0005045, HP:0001639.

Allele frequency attached by ClinVar (database versions not stated): gnomAD 0.00054 and 0.00052; TOPMed 0.00057; ESP Exome Variant Server 0.00066; ExAC 0.00041; gnomAD exomes 0.00042.
gnomAD v4.1: 710 of 1,613,868 alleles (0.044%); highest among the groups gnomAD compares: Non-Finnish European, 0.051%; 1 homozygote.

Submissions (5):

Labcorp Genetics (formerly Invitae), Labcorp
Classification: Likely benign for Hypertrophic cardiomyopathy. Last evaluated: 2026-01-25. Review status: criteria provided, single submitter. Criteria: Invitae Variant Classification Sherloc (09022015). Collection method: clinical testing. Allele origin: germline.

Ambry Genetics
Classification: Likely benign. Last evaluated: 2022-04-06. Review status: criteria provided, single submitter. Criteria: Ambry Variant Classification Scheme 2023. Collection method: clinical testing. Allele origin: germline.

Laboratory for Molecular Medicine, Mass General Brigham Personalized Medicine
Classification: Likely benign. Last evaluated: 2015-04-14. Review status: criteria provided, single submitter. Criteria: LMM Criteria. Collection method: clinical testing. Allele origin: germline. Observed: 1 variant allele.
Comment: p.Thr688Thr in exon 15 of MYOM1: This variant is not expected to have clinical s ignificance because it does not alter an amino acid residue and is not located w ithin the splice consensus sequence. It has been identified in 6/9734 African ch romosomes by the Exome Aggregation Consortium (ExAC. org; dbSNP rs374462999).

Breakthrough Genomics
Classification: Likely benign. Review status: criteria provided, single submitter. Criteria: ACMG Guidelines, 2015. Collection method: not provided. Allele origin: germline. Inheritance: Unknown mechanism. Affected: yes.

PreventionGenetics, part of Exact Sciences
Classification: Likely benign for MYOM1-related condition. Last evaluated: 2020-02-04. Review status: no assertion criteria provided. Collection method: clinical testing. Allele origin: germline. Not counted in ClinVar's aggregate classification.
Comment: This variant is classified as likely benign based on ACMG/AMP sequence variant interpretation guidelines (Richards et al. 2015 PMID: 25741868, with internal and published modifications).